The following is an entry in ClinVar:

ClinVar aggregate classification (germline): Uncertain significance (1 of 4 stars; one submission).

gnomAD v4.1: 9 of 1,613,332 alleles (0.00056%); highest among the groups gnomAD compares: Non-Finnish European, 0.00076%; no homozygotes.

Submission:

Women's Health and Genetics/Laboratory Corporation of America, LabCorp
Classification: Uncertain significance. Last evaluated: 2026-01-13. Review status: criteria provided, single submitter. Criteria: LabCorp Variant Classification Summary - May 2015. Collection method: clinical testing. Allele origin: germline.
Comment: Variant summary: PIK3R2 c.1830C>G (p.Asp610Glu) results in a conservative amino acid change in the encoded protein sequence. Algorithms developed to predict the effect of missense changes on protein structure and function are either unavailable or do not agree on the potential impact of this missense change. The frequency data for this variant in gnomAD is considered unreliable, as metrics indicate poor data quality at this position. To our knowledge, no occurrence of c.1830C>G in individuals affected with PIK3R2-related conditions and no experimental evidence demonstrating its impact on protein function have been reported. No submitters have cited clinical-significance assessments for this variant to ClinVar. Based on the evidence outlined above, the variant was classified as uncertain significance.

NM_005027.4(PIK3R2):c.1830C>G (p.Asp610Glu)

Gene: PIK3R2 (phosphoinositide-3-kinase regulatory subunit 2; plus strand). Cytogenetic location: 19p13.11.
Variant type: single nucleotide variant.
Coding change: c.1830C>G on transcript NM_005027.4 (MANE Select); coding-DNA position 1830, C replaced by G.
Protein change: p.Asp610Glu; replaces aspartic acid 610 with glutamic acid.
Molecular consequence: missense variant. On other transcripts: non-coding transcript variant (2).
Genome position (GRCh38, 1-based): chr19:18,168,747, C>G. VCF-style: chr19-18168747-C-G. GRCh37 (hg19) VCF-style: chr19-18279557-C-G.
Other names: short protein forms D610E.
Identifiers: ClinVar variation 4689415 (VCV004689415.1).